The following is an entry in ClinVar:

ClinVar aggregate classification (germline): Conflicting classifications of pathogenicity. Review status: criteria provided, conflicting classifications (1 of 4 stars). 2 submissions from 2 submitters: Uncertain significance (1); Likely benign (1). Last evaluated 2025-05-11.

Conditions:
Inborn genetic diseases. Identifiers: MedGen C0950123, MeSH D030342.

Submissions (2):

Labcorp Genetics (formerly Invitae), Labcorp
Classification: Uncertain significance. Last evaluated: 2025-05-11. Review status: criteria provided, single submitter. Criteria: Invitae Variant Classification Sherloc (09022015). Collection method: clinical testing. Allele origin: germline.
Comment: This variant, c.254_256del, results in the deletion of 1 amino acid(s) of the RBM10 protein (p.Arg85del), but otherwise preserves the integrity of the reading frame. The frequency data for this variant in the population databases is considered unreliable, as metrics indicate poor data quality at this position in the gnomAD database. This variant has not been reported in the literature in individuals affected with RBM10-related conditions. Experimental studies and prediction algorithms are not available or were not evaluated, and the functional significance of this variant is currently unknown. In summary, the available evidence is currently insufficient to determine the role of this variant in disease. Therefore, it has been classified as a Variant of Uncertain Significance.

Ambry Genetics
Classification: Likely benign for Inborn genetic diseases. Last evaluated: 2022-01-26. Review status: criteria provided, single submitter. Criteria: Ambry Variant Classification Scheme 2023. Collection method: clinical testing. Allele origin: germline.

NM_005676.5(RBM10):c.242GGC[4] (p.Arg85del)

Gene: RBM10 (RNA binding motif protein 10; plus strand). Cytogenetic location: Xp11.3.
Variant type: Microsatellite.
Coding change: c.242GGC[4] on transcript NM_005676.5 (MANE Select); four copies in a row of the 3-base unit GGC starting at c.242; the reference has five copies in a row; one copy, 3 bases deleted.
Protein change: p.Arg85del; deletes arginine 85.
Molecular consequence: inframe deletion. On other transcripts: intron variant (2).
Genome position (GRCh38, 1-based): chrX:47,171,080-47,171,082, GGC deleted; deleting any 3 consecutive bases within chrX:47,171,068-47,171,082 gives the same sequence; the position shown is the placement nearest the transcript's 3' end. VCF-style (leftmost placement, unchanged base first): chrX-47171067-AGGC-A. GRCh37 (hg19) VCF-style: chrX-47030466-AGGC-A.
Other names: c.242GGC[4], p.Arg85del (NM_001204467.2); c.437GGC[4], p.Arg150del (NM_001204468.2); c.201+1570GGC[4] (NM_001204466.2, NM_152856.3); c.254_256delGGC (NM_005676.4); short protein forms R150del, R85del.
Identifiers: ClinVar variation 2164115 (VCV002164115.5), dbSNP rs781998738, ClinGen allele CA10395073.